The following is an entry in ClinVar:

NM_005609.4(PYGM):c.2447G>A (p.Arg816His)

Gene: PYGM (glycogen phosphorylase, muscle associated; minus strand). Cytogenetic location: 11q13.1.
Variant type: single nucleotide variant.
Coding change: c.2447G>A on transcript NM_005609.4 (MANE Select); coding-DNA position 2447, G replaced by A.
Protein change: p.Arg816His; replaces arginine 816 with histidine.
Molecular consequence: missense variant.
Genome position (GRCh38, 1-based): chr11:64,746,741, C>T on the plus strand (G>A on the coding strand, the complement: PYGM is on the minus strand). VCF-style: chr11-64746741-C-T. GRCh37 (hg19) VCF-style: chr11-64514213-C-T.
Other names: c.2183G>A, p.Arg728His (NM_001164716.1); short protein forms R816H, R728H.
Identifiers: ClinVar variation 95297 (VCV000095297.26), dbSNP rs139230055, ClinGen allele CA222890.

ClinVar aggregate classification (germline): Uncertain significance. Review status: criteria provided, multiple submitters, no conflicts (2 of 4 stars). 14 submissions from 14 submitters: Uncertain significance (12). 2 of the submissions do not count toward it. Last evaluated 2026-03-05.

Conditions:
Glycogen storage disease, type V (GSD5). Also called: MUSCLE GLYCOGEN PHOSPHORYLASE DEFICIENCY; MYOPHOSPHORYLASE DEFICIENCY; PYGM DEFICIENCY; McArdle type glycogen storage disease; MCARDLE DISEASE. Identifiers: Orphanet 368, MedGen C0017924, MONDO:0009293, OMIM 232600.

Allele frequency attached by ClinVar (database versions not stated): ESP Exome Variant Server 0.00008; gnomAD 0.00010 and 0.00011; ExAC 0.00016; TOPMed 0.00009; gnomAD exomes 0.00011 and 0.00014.
gnomAD v4.1: 197 of 1,614,184 alleles (0.012%); highest among the groups gnomAD compares: Middle Eastern, 0.4%; 1 homozygote.

Submissions (14):

Mendelics
Classification: Uncertain significance for Glycogen storage disease, type V. Last evaluated: 2026-03-05. Review status: criteria provided, single submitter. Criteria: ACMG Guidelines, 2015. Collection method: clinical testing. Allele origin: unknown.
Comment: The available evidence is insufficient to conclusively determine the role of this variant. Therefore, it is classified as a Variant of Uncertain Significance.

Blueprint Genetics
Classification: Uncertain significance. Last evaluated: 2024-10-15. Review status: criteria provided, single submitter. Criteria: ACMG Guidelines, 2015. Collection method: clinical testing. Allele origin: germline.

Fulgent Genetics
Classification: Uncertain significance for Glycogen storage disease, type V. Last evaluated: 2024-05-23. Review status: criteria provided, single submitter. Criteria: ACMG Guidelines, 2015. Collection method: clinical testing. Allele origin: germline.

Labcorp Genetics (formerly Invitae), Labcorp
Classification: Uncertain significance for Glycogen storage disease, type V. Last evaluated: 2022-10-18. Review status: criteria provided, single submitter. Criteria: Invitae Variant Classification Sherloc (09022015). Collection method: clinical testing. Allele origin: germline.
Comment: This sequence change replaces arginine, which is basic and polar, with histidine, which is basic and polar, at codon 816 of the PYGM protein (p.Arg816His). This variant is present in population databases (rs139230055, gnomAD 0.05%). This missense change has been observed in individual(s) with clinical features of PYGM-related conditions (PMID: 25044680). ClinVar contains an entry for this variant (Variation ID: 95297). Advanced modeling of protein sequence and biophysical properties (such as structural, functional, and spatial information, amino acid conservation, physicochemical variation, residue mobility, and thermodynamic stability) performed at Invitae indicates that this missense variant is expected to disrupt PYGM protein function. In summary, the available evidence is currently insufficient to determine the role of this variant in disease. Therefore, it has been classified as a Variant of Uncertain Significance.

Department of Pathology and Laboratory Medicine, Sinai Health System
Classification: Uncertain significance for Glycogen storage disease, type V. Last evaluated: 2022-04-04. Review status: criteria provided, single submitter. Criteria: ACMG Guidelines, 2015. Collection method: research. Allele origin: germline.

Genome-Nilou Lab
Classification: Uncertain significance for Glycogen storage disease, type V. Last evaluated: 2021-07-22. Review status: criteria provided, single submitter. Criteria: ACMG Guidelines, 2015. Collection method: clinical testing. Allele origin: germline. Affected: no.

Revvity Omics, Revvity
Classification: Uncertain significance for Glycogen storage disease, type V. Last evaluated: 2021-06-04. Review status: criteria provided, single submitter. Criteria: ACMG Guidelines, 2015. Collection method: clinical testing. Allele origin: germline.

Baylor Genetics
Classification: Uncertain significance for Glycogen storage disease, type V. Last evaluated: 2020-09-23. Review status: criteria provided, single submitter. Criteria: ACMG Guidelines, 2015. Collection method: clinical testing. Allele origin: unknown. Affected: yes.
Comment: This variant was determined to be of uncertain significance according to ACMG Guidelines, 2015 [PMID:25741868].

Eurofins Ntd Llc (ga)
Classification: Uncertain significance. Last evaluated: 2018-04-06. Review status: criteria provided, single submitter. Criteria: EGL ClinVar v180209 classification definitions. Collection method: clinical testing. Allele origin: germline. Observed: 2 variant alleles, 2 heterozygotes.

GeneDx
Classification: Uncertain significance. Last evaluated: 2017-05-11. Review status: criteria provided, single submitter. Criteria: GeneDx Variant Classification (06012015). Collection method: clinical testing. Allele origin: germline. Affected: yes.
Comment: A variant of uncertain significance has been identified in the PYGM gene. The R816H variant has been previously reported as a homozygous change in a consanguineous family with non-syndromic intellectual disability; additional variants were also identified and the authors concluded that the R816H only partially contributes to the phenotype in the family. (Makrythanasis et at., 2014). The R816H variant is observed in 7/16512 (0.04%) alleles from individuals of South Asian background, (Lek et al., 2016; 1000 Genomes Consortium et al., 2015; Exome Variant Server). This substitution occurs at a position that is conserved across species. In silico analysis predicts this variant is probably damaging to the protein structure/function. However, the R816H variant a conservative amino acid substitution, which is not likely to impact secondary protein structure as these residues share similar properties. Therefore, based on the currently available information, it is unclear whether this variant is a pathogenic variant or a rare benign variant.

Illumina Laboratory Services, Illumina
Classification: Uncertain significance for Glycogen storage disease, type V. Last evaluated: 2017-04-27. Review status: criteria provided, single submitter. Criteria: ICSL Variant Classification Criteria 13 December 2019. Collection method: clinical testing. Allele origin: germline.
Comment: This variant was observed as part of a predisposition screen in an ostensibly healthy population. A literature search was performed for the gene, cDNA change, and amino acid change (where applicable). Publications were found based on this search. However, the evidence from the literature, in combination with allele frequency data from public databases where available, was not sufficient to rule this variant in or out of causing disease. Therefore, this variant is classified as a variant of unknown significance.

Breakthrough Genomics
Classification: Uncertain significance. Review status: criteria provided, single submitter. Criteria: ACMG Guidelines, 2015. Collection method: not provided. Allele origin: germline. Inheritance: Autosomal recessive inheritance. Affected: yes.

Natera, Inc.
Classification: Uncertain significance for Glycogen storage disease V. Last evaluated: 2020-09-16. Review status: no assertion criteria provided. Collection method: clinical testing. Allele origin: germline. Not counted in ClinVar's aggregate classification.

Mayo Clinic Laboratories, Mayo Clinic
Classification: Uncertain significance. Last evaluated: 2017-04-12. Review status: no assertion criteria provided. Collection method: clinical testing. Allele origin: unknown. Not counted in ClinVar's aggregate classification.

Literature cited by the submitters: PubMed 25044680 (cited by Labcorp Genetics (formerly Invitae), Labcorp and Illumina Laboratory Services, Illumina).